The following is an entry in ClinVar:

NM_001365276.2(TNXB):c.10162C>T (p.Gln3388Ter)

Gene: TNXB (tenascin XB; minus strand). Cytogenetic location: 6p21.33.
Variant type: single nucleotide variant.
Coding change: c.10162C>T on transcript NM_001365276.2 (MANE Select); coding-DNA position 10162, C replaced by T.
Protein change: p.Gln3388Ter; replaces glutamine 3388 with a stop codon.
Molecular consequence: nonsense.
Genome position (GRCh38, 1-based): chr6:32,047,896, G>A on the plus strand (C>T on the coding strand, the complement: TNXB is on the minus strand). VCF-style: chr6-32047896-G-A. GRCh37 (hg19) VCF-style: chr6-32015673-G-A.
Other names: c.10903C>T, p.Gln3635Ter (NM_001428335.1); c.10156C>T, p.Gln3386Ter (NM_019105.8); short protein forms Q3386*, Q3388*, Q3635*.
Identifiers: ClinVar variation 5015365 (VCV005015365.1).
Genomic context (GRCh38, chr6:32,047,896, plus strand): 5'-CCTCCCGCTGGTTGGCTGCCACCGGCACCACCTGGAGCCGACCATCCTTATCCTTGTACT[G>A]GACCACGAAGGAGTCGAATTCGCCCTCAGGGACCGTCCACGAGAGGCCCACGGAGTCAGG-3'

ClinVar aggregate classification (germline): Pathogenic (1 of 4 stars; one submission).

Conditions:
Ehlers-Danlos syndrome due to tenascin-X deficiency (EDSCLL1). Also called: EDS DUE TO TNX DEFICIENCY; TNX DEFICIENCY; Ehlers-Danlos syndrome, classic-like, 1; EHLERS-DANLOS SYNDROME, CLASSIC-LIKE; TNXB-Related Classical-Like Ehlers-Danlos Syndrome. Identifiers: Orphanet 230839, MedGen C1848029, MONDO:0011670, OMIM 606408.

Submission:

Myriad Genetics, Inc.
Classification: Pathogenic for Ehlers-Danlos syndrome due to tenascin-X deficiency. Last evaluated: 2025-12-24. Review status: criteria provided, single submitter. Criteria: Myriad Autosomal Dominant, Autosomal Recessive and X-Linked Classification Criteria (2023). Collection method: clinical testing. Allele origin: unknown.
Comment: NM_019105.6(TNXB):c.10156C>T(Q3386*) is expected to be pathogenic in the context of classical-like Ehlers-Danlos syndrome, TNXB-related. This variant is predicted to lead to an abnormal or absent protein product due to the creation of a premature termination codon in TNXB, a gene where loss-of-function variants are known to be pathogenic. Please note: this variant was assessed in the context of healthy population screening.